The following is an entry in ClinVar:

ClinVar aggregate classification (germline): Uncertain significance (1 of 4 stars; one submission).

Submission:

CeGaT Center for Human Genetics Tuebingen
Classification: Uncertain significance. Last evaluated: 2023-04-01. Review status: criteria provided, single submitter. Criteria: CeGaT Center For Human Genetics Tuebingen Variant Classification Criteria Version 2. Collection method: clinical testing. Allele origin: germline. Affected: yes. Observed: 2 variant alleles.
Comment: RNF213: PM2

NM_001256071.3(RNF213):c.5622_5625dup (p.Leu1876fs)

Gene: RNF213 (ring finger protein 213; plus strand). Cytogenetic location: 17q25.3.
Variant type: Duplication.
Coding change: c.5622_5625dup on transcript NM_001256071.3 (MANE Select); coding-DNA positions 5622 to 5625, 4 bases duplicated (GGCA; older notation c.5622_5625dupGGCA).
Protein change: p.Leu1876fs; shifts the reading frame from leucine 1876.
Molecular consequence: frameshift variant.
Genome position (GRCh38, 1-based): chr17:80,339,989-80,339,992, GGCA duplicated. VCF-style (leftmost placement, unchanged base first): chr17-80339988-T-TGGCA. GRCh37 (hg19) VCF-style: chr17-78313788-T-TGGCA.
Other names: short protein forms L1876fs.
Identifiers: ClinVar variation 808331 (VCV000808331.42), dbSNP rs1599057892, ClinGen allele CA915952232.